The following is an entry in ClinVar:

ClinVar aggregate classification (germline): Pathogenic/Likely pathogenic. Review status: criteria provided, multiple submitters, no conflicts (2 of 4 stars). 3 submissions from 3 submitters: Pathogenic (2); Likely pathogenic (1). Last evaluated 2023-08-17.

Conditions:
Neuromuscular disease caused by qualitative or quantitative defects of dystrophin. Also called: Qualitative or quantitative defects of dystrophin. Identifiers: Orphanet 207085, MedGen C5679787, MONDO:0016147.
Duchenne muscular dystrophy (DMD). Also called: MUSCULAR DYSTROPHY, PSEUDOHYPERTROPHIC PROGRESSIVE, DUCHENNE TYPE; Duchenne Muscular Dystrophy (DMD). Identifiers: Orphanet 98896, MedGen C0013264, MONDO:0010679, OMIM 310200.

Submissions (3):

Labcorp Genetics (formerly Invitae), Labcorp
Classification: Pathogenic for Duchenne muscular dystrophy. Last evaluated: 2023-08-17. Review status: criteria provided, single submitter. Criteria: Invitae Variant Classification Sherloc (09022015). Collection method: clinical testing. Allele origin: germline.
Comment: For these reasons, this variant has been classified as Pathogenic. ClinVar contains an entry for this variant (Variation ID: 447267). This premature translational stop signal has been observed in individual(s) with DMD-related conditions (PMID: 27593222). This variant is not present in population databases (gnomAD no frequency). This sequence change creates a premature translational stop signal (p.Glu2733Serfs*2) in the DMD gene. It is expected to result in an absent or disrupted protein product. Loss-of-function variants in DMD are known to be pathogenic (PMID: 16770791, 25007885).

Women's Health and Genetics/Laboratory Corporation of America, LabCorp
Classification: Likely pathogenic for Neuromuscular disease caused by qualitative or quantitative defects of dystrophin. Last evaluated: 2022-03-07. Review status: criteria provided, single submitter. Criteria: LabCorp Variant Classification Summary - May 2015. Collection method: clinical testing. Allele origin: germline.
Comment: Variant summary: DMD c.8196delA (p.Glu2733SerfsX2) results in a premature termination codon, predicted to cause a truncation of the encoded protein or absence of the protein due to nonsense mediated decay, which are commonly known mechanisms for disease. Truncations downstream of this position have been classified as pathogenic by our laboratory. The variant was absent in 181906 control chromosomes (gnomAD). c.8196delA has been reported in the literature at least in one boy affected with dystrophinopathy, however phenotype details were not provided (Cho_2017). To our knowledge, no experimental evidence demonstrating an impact on protein function has been reported. One clinical diagnostic laboratory has submitted clinical-significance assessments for this variant to ClinVar after 2014 and classified the variant as pathogenic. Based on the evidence outlined above, the variant was classified as likely pathogenic.

Athena Diagnostics
Classification: Pathogenic. Last evaluated: 2016-10-13. Review status: criteria provided, single submitter. Criteria: Athena Diagnostics Criteria. Collection method: clinical testing. Allele origin: germline.

Literature cited by the submitters: PubMed 27593222 (cited by Labcorp Genetics (formerly Invitae), Labcorp and Women's Health and Genetics/Laboratory Corporation of America, LabCorp); PubMed 16770791 (cited by Labcorp Genetics (formerly Invitae), Labcorp); PubMed 25007885 (cited by Labcorp Genetics (formerly Invitae), Labcorp).

NM_004006.3(DMD):c.8196del (p.Glu2733fs)

Gene: DMD (dystrophin; minus strand). Cytogenetic location: Xp21.1.
Variant type: Deletion.
Coding change: c.8196del on transcript NM_004006.3 (MANE Select); coding-DNA position 8196, one base deleted (A; older notation c.8196delA).
Protein change: p.Glu2733fs; shifts the reading frame from glutamic acid 2733.
Molecular consequence: frameshift variant.
Genome position (GRCh38, 1-based): chrX:31,627,694, T deleted on the plus strand (A on the coding strand, the reverse complement: DMD is on the minus strand); the first of 4 consecutive T bases (chrX:31,627,694-31,627,697); deleting any one gives the same sequence. VCF-style (leftmost placement, unchanged base first): chrX-31627693-CT-C. GRCh37 (hg19) VCF-style: chrX-31645810-CT-C.
Other names: c.8196delA (NM_004006.2); c.8172del, p.Glu2725fs (NM_000109.4); c.8184del, p.Glu2729fs (NM_004009.3); c.7827del, p.Glu2610fs (NM_004010.3); c.4173del, p.Glu1392fs (NM_004011.4); c.4164del, p.Glu1389fs (NM_004012.4); c.816del, p.Glu273fs (NM_004013.3, NM_004020.4, NM_004021.3 and 2 more transcripts); short protein forms E2729fs, E1389fs, E2610fs, E2733fs, E1392fs, E2725fs, E273fs.
Identifiers: ClinVar variation 447267 (VCV000447267.7), dbSNP rs1556764753, ClinGen allele CA658658943.